The following is an entry in ClinVar:

ClinVar aggregate classification (germline): Uncertain significance (1 of 4 stars; one submission).

Conditions:
Autosomal dominant limb-girdle muscular dystrophy type 1G (LGMDD3). Also called: Limb-girdle muscular dystrophy, type 1G; MUSCULAR DYSTROPHY, LIMB-GIRDLE, AUTOSOMAL DOMINANT 3. Identifiers: Orphanet 55596, MedGen C1836765, MONDO:0012193, OMIM 609115.

Allele frequency attached by ClinVar (database versions not stated): gnomAD 0.00001; gnomAD exomes 0.00001; TOPMed 0.00001.
gnomAD v4.1: 17 of 1,612,958 alleles (0.0011%); highest among the groups gnomAD compares: Non-Finnish European, 0.0014%; no homozygotes.

Submission:

Labcorp Genetics (formerly Invitae), Labcorp
Classification: Uncertain significance for Autosomal dominant limb-girdle muscular dystrophy type 1G. Last evaluated: 2024-04-29. Review status: criteria provided, single submitter. Criteria: Invitae Variant Classification Sherloc (09022015). Collection method: clinical testing. Allele origin: germline.
Comment: This sequence change replaces aspartic acid, which is acidic and polar, with glutamic acid, which is acidic and polar, at codon 198 of the HNRNPDL protein (p.Asp198Glu). This variant is not present in population databases (gnomAD no frequency). This variant has not been reported in the literature in individuals affected with HNRNPDL-related conditions. ClinVar contains an entry for this variant (Variation ID: 2058840). An algorithm developed to predict the effect of missense changes on protein structure and function (PolyPhen-2) suggests that this variant is likely to be tolerated. In summary, the available evidence is currently insufficient to determine the role of this variant in disease. Therefore, it has been classified as a Variant of Uncertain Significance.

NM_031372.4(HNRNPDL):c.594T>G (p.Asp198Glu)

Gene: HNRNPDL (heterogeneous nuclear ribonucleoprotein D like; minus strand). Cytogenetic location: 4q21.22.
Variant type: single nucleotide variant.
Coding change: c.594T>G on transcript NM_031372.4 (MANE Select); coding-DNA position 594, T replaced by G.
Protein change: p.Asp198Glu; replaces aspartic acid 198 with glutamic acid.
Molecular consequence: missense variant. On other transcripts: non-coding transcript variant (1).
Genome position (GRCh38, 1-based): chr4:82,428,296, A>C on the plus strand (T>G on the coding strand, the complement: HNRNPDL is on the minus strand). VCF-style: chr4-82428296-A-C. GRCh37 (hg19) VCF-style: chr4-83349449-A-C.
Other names: c.594T>G, p.Asp198Glu (NM_001207000.1); short protein forms D198E.
Identifiers: ClinVar variation 2058840 (VCV002058840.4), dbSNP rs1451100919, ClinGen allele CA357171244.
Genomic context (GRCh38, chr4:82,428,296, plus strand): 5'-AAAACACCACAAAAGCAGCACAATGCAAAACATAGTTCCTACCTTATCAACACTAGCAGC[A>C]TCTTTGAAAAGCACAAATCCAAATCCTCTTGATCTCCCAGTGACTGGATCTGTTTTAATT-3'
Protein context (NP_112740.1, residues 188-208): SRGFGFVLFK[Asp198Glu]AASVDKVLEL